The following is an entry in ClinVar:

ClinVar aggregate classification (germline): Uncertain significance. Review status: criteria provided, multiple submitters, no conflicts (2 of 4 stars). 2 submissions from 2 submitters: Uncertain significance (2). Last evaluated 2025-08-27.

Conditions:
Hereditary cancer-predisposing syndrome. Also called: Tumor predisposition; Hereditary Cancer Syndrome; Neoplastic Syndromes, Hereditary; Hereditary neoplastic syndrome. Identifiers: Orphanet 140162, MedGen C0027672, MeSH D009386, MONDO:0015356.
Familial adenomatous polyposis 2. Also called: COLORECTAL ADENOMATOUS POLYPOSIS, AUTOSOMAL RECESSIVE; ADENOMAS, MULTIPLE COLORECTAL, AUTOSOMAL RECESSIVE; MYH-associated polyposis; FAP type 2; MUTYH-associated polyposis; MUTYH-related attenuated familial adenomatous polyposis. Identifiers: Orphanet 220460, Orphanet 247798, MedGen C3272841, MONDO:0012041, OMIM 608456.

Submissions (2):

Ambry Genetics
Classification: Uncertain significance for Hereditary cancer-predisposing syndrome. Last evaluated: 2025-08-27. Review status: criteria provided, single submitter. Criteria: Ambry Variant Classification Scheme 2023. Collection method: clinical testing. Allele origin: germline.
Comment: The p.S102C variant (also known as c.304A>T), located in coding exon 3 of the MUTYH gene, results from an A to T substitution at nucleotide position 304. The serine at codon 102 is replaced by cysteine, an amino acid with dissimilar properties. This amino acid position is conserved. In addition, the in silico prediction for this alteration is inconclusive. Based on the available evidence, the clinical significance of this variant remains unclear.

Labcorp Genetics (formerly Invitae), Labcorp
Classification: Uncertain significance for Familial adenomatous polyposis 2. Last evaluated: 2025-03-31. Review status: criteria provided, single submitter. Criteria: Invitae Variant Classification Sherloc (09022015). Collection method: clinical testing. Allele origin: germline.
Comment: This sequence change replaces serine, which is neutral and polar, with cysteine, which is neutral and slightly polar, at codon 102 of the MUTYH protein (p.Ser102Cys). This variant is not present in population databases (gnomAD no frequency). This variant has not been reported in the literature in individuals affected with MUTYH-related conditions. ClinVar contains an entry for this variant (Variation ID: 957402). An algorithm developed to predict the effect of missense changes on protein structure and function (PolyPhen-2) suggests that this variant is likely to be tolerated. In summary, the available evidence is currently insufficient to determine the role of this variant in disease. Therefore, it has been classified as a Variant of Uncertain Significance.

NM_001048174.2(MUTYH):c.220A>T (p.Ser74Cys)

Gene: MUTYH (mutY DNA glycosylase; minus strand). Cytogenetic location: 1p34.1.
Variant type: single nucleotide variant.
Coding change: c.220A>T on transcript NM_001048174.2 (MANE Select); coding-DNA position 220, A replaced by T.
Protein change: p.Ser74Cys; replaces serine 74 with cysteine.
Molecular consequence: missense variant. On other transcripts: 5 prime UTR variant (4), non-coding transcript variant (2).
Genome position (GRCh38, 1-based): chr1:45,333,457, T>A on the plus strand (A>T on the coding strand, the complement: MUTYH is on the minus strand). VCF-style: chr1-45333457-T-A. GRCh37 (hg19) VCF-style: chr1-45799129-T-A.
Other names: c.220A>T, p.Ser74Cys (NM_001048171.2, NM_001048173.2, NM_001293195.2); c.223A>T, p.Ser75Cys (NM_001048172.2); c.304A>T, p.Ser102Cys (NM_001128425.2); c.265A>T, p.Ser89Cys (NM_001293190.2); c.253A>T, p.Ser85Cys (NM_001293191.2); c.-57A>T (NM_001293192.2, NM_001293196.2); c.-52A>T (NM_001350650.2, NM_001350651.2); c.295A>T, p.Ser99Cys (NM_012222.3); short protein forms S75C, S89C, S102C, S74C, S85C, S99C.
Identifiers: ClinVar variation 957402 (VCV000957402.10), dbSNP rs1645356863, ClinGen allele CA340136421.